The following is an entry in ClinVar:

NM_001142966.3(GREB1L):c.1317A>C (p.Lys439Asn)

Genes: GREB1L (GREB1 like retinoic acid receptor coactivator; plus strand), GREB1L-AS1 (GREB1L antisense RNA 1; minus strand). Cytogenetic location: 18q11.1.
Variant type: single nucleotide variant.
Coding change: c.1317A>C on transcript NM_001142966.3 (MANE Select); coding-DNA position 1317, A replaced by C.
Protein change: p.Lys439Asn; replaces lysine 439 with asparagine.
Molecular consequence: missense variant.
Genome position (GRCh38, 1-based): chr18:21,444,333, A>C. VCF-style: chr18-21444333-A-C. GRCh37 (hg19) VCF-style: chr18-19024294-A-C.
Other names: c.1446A>C, p.Lys482Asn (NM_001410867.1); c.1317A>C, p.Lys439Asn (NM_001410868.1); short protein forms K439N, K482N.
Identifiers: ClinVar variation 3767321 (VCV003767321.1).

ClinVar aggregate classification (germline): Likely pathogenic (1 of 4 stars; one submission).

Conditions:
Hearing loss, autosomal dominant 80. Also called: DEAFNESS, AUTOSOMAL DOMINANT 80. Identifiers: MedGen C5543289, MONDO:0030998, OMIM 619274.

gnomAD v4.1: 2 of 1,552,088 alleles (0.00013%); highest among the groups gnomAD compares: African/African-American, 0.0027%; no homozygotes.

Submission:

Wonkam Laboratory, Johns Hopkins University
Classification: Likely pathogenic for Hearing loss, autosomal dominant 80. Last evaluated: 2024-01-06. Review status: criteria provided, single submitter. Criteria: ACMG Guidelines, 2015. Collection method: research. Allele origin: germline. Inheritance: Autosomal dominant inheritance. Affected: yes. Observed: 2 variant alleles.
Comment: This variant GREBL1 c.1317A>C (NM_001142966.2) is located in a mutational hot spot and/or critical and well-established functional domain (e.g., active site of an enzyme) without benign variation (PM1), the variant Absent from controls (or at extremely low frequency if recessive) in Exome Sequencing Project, 1000 Genomes Project, or Exome Aggregation Consortium (PM2), Cosegregation with disease in multiple affected family members in a gene definitively known to cause the disease (PP1), Patient's phenotype or family history is highly specific for a disease with a single genetic etiology (PP4)